The following is an entry in ClinVar:

ClinVar aggregate classification (germline): Likely pathogenic (1 of 4 stars; one submission).

Submission:

Labcorp Genetics (formerly Invitae), Labcorp
Classification: Likely pathogenic. Last evaluated: 2025-10-27. Review status: criteria provided, single submitter. Criteria: Invitae Variant Classification Sherloc (09022015). Collection method: clinical testing. Allele origin: germline.
Comment: This sequence change affects an acceptor splice site in intron 2 of the PEX3 gene. It is expected to disrupt RNA splicing. Variants that disrupt the donor or acceptor splice site typically lead to a loss of protein function (PMID: 16199547), and loss-of-function variants in PEX3 are known to be pathogenic (PMID: 10942428, 21031596). This variant is not present in population databases (gnomAD no frequency). This variant has not been reported in the literature in individuals affected with PEX3-related conditions. ClinVar contains an entry for this variant (Variation ID: 3654241). Algorithms developed to predict the effect of sequence changes on RNA splicing suggest that this variant may disrupt the consensus splice site. In summary, the currently available evidence indicates that the variant is pathogenic, but additional data are needed to prove that conclusively. Therefore, this variant has been classified as Likely Pathogenic.

Literature cited by the submitters: PubMed 16199547; PubMed 10942428; PubMed 21031596.

NM_003630.3(PEX3):c.206-2A>G

Gene: PEX3 (peroxisomal biogenesis factor 3; plus strand). Cytogenetic location: 6q24.2.
Variant type: single nucleotide variant.
Coding change: c.206-2A>G on transcript NM_003630.3 (MANE Select); the canonical splice acceptor site of the intron before coding-DNA position 206, A replaced by G.
Molecular consequence: splice acceptor variant.
Genome position (GRCh38, 1-based): chr6:143,462,914, A>G. VCF-style: chr6-143462914-A-G. GRCh37 (hg19) VCF-style: chr6-143784051-A-G.
Identifiers: ClinVar variation 3654241 (VCV003654241.2).
Genomic context (GRCh38, chr6:143,462,914, plus strand): 5'-TTTCTTAGTGAGGGCAGTCATATCACTTGTGACCTTTTTTATTTTTTTTGTTTGTATTAC[A>G]GTGCTGTCCATGCTTCCAACACTGAGAGAGGCCTTAATGCAGCAACTGAATTCCGAGAGC-3'